The following is an entry in ClinVar:

NM_004064.5(CDKN1B):c.211_217del (p.Glu71fs)

Gene: CDKN1B (cyclin dependent kinase inhibitor 1B; plus strand). Cytogenetic location: 12p13.1.
Variant type: Deletion.
Coding change: c.211_217del on transcript NM_004064.5 (MANE Select); coding-DNA positions 211 to 217, 7 bases deleted (GAGGGCA; older notation c.211_217delGAGGGCA).
Protein change: p.Glu71fs; shifts the reading frame from glutamic acid 71.
Molecular consequence: frameshift variant.
Genome position (GRCh38, 1-based): chr12:12,718,050-12,718,056, GAGGGCA deleted; deleting any 7 consecutive bases within chr12:12,718,049-12,718,056 gives the same sequence; the c. name uses the placement nearest the transcript's 3' end. VCF-style (leftmost placement, unchanged base first): chr12-12718048-TAGAGGGC-T. GRCh37 (hg19) VCF-style: chr12-12870982-TAGAGGGC-T.
Other names: short protein forms E71fs.
Identifiers: ClinVar variation 2768597 (VCV002768597.3), dbSNP rs2497404599, ClinGen allele CA2697559111.

ClinVar aggregate classification (germline): Pathogenic (1 of 4 stars; one submission).

Conditions:
Multiple endocrine neoplasia type 4. Also called: MULTIPLE ENDOCRINE NEOPLASIA, TYPE IV. Identifiers: Orphanet 276152, MedGen C1970712, MONDO:0012552, OMIM 610755.

Submission:

Labcorp Genetics (formerly Invitae), Labcorp
Classification: Pathogenic for Multiple endocrine neoplasia type 4. Last evaluated: 2023-10-15. Review status: criteria provided, single submitter. Criteria: Invitae Variant Classification Sherloc (09022015). Collection method: clinical testing. Allele origin: germline.
Comment: This sequence change creates a premature translational stop signal (p.Glu71Serfs*46) in the CDKN1B gene. It is expected to result in an absent or disrupted protein product. Loss-of-function variants in CDKN1B are known to be pathogenic (PMID: 17030811, 24819502). This variant is not present in population databases (gnomAD no frequency). This variant has not been reported in the literature in individuals affected with CDKN1B-related conditions. For these reasons, this variant has been classified as Pathogenic.

Literature cited by the submitters: PubMed 17030811; PubMed 24819502.